The following is an entry in ClinVar:

ClinVar aggregate classification (germline): Uncertain significance (1 of 4 stars; one submission).

Conditions:
Hereditary cancer-predisposing syndrome. Also called: Neoplastic Syndromes, Hereditary; Tumor predisposition; Hereditary Cancer Syndrome; Hereditary neoplastic syndrome. Identifiers: Orphanet 140162, MedGen C0027672, MeSH D009386, MONDO:0015356.

Submission:

Ambry Genetics
Classification: Uncertain significance for Hereditary cancer-predisposing syndrome. Last evaluated: 2026-04-06. Review status: criteria provided, single submitter. Criteria: Ambry Variant Classification Scheme 2023. Collection method: clinical testing. Allele origin: germline.
Comment: The c.1811-1G>T intronic variant results from a G to T substitution one nucleotide upstream from coding exon 9 of the BARD1 gene. Alterations that disrupt the canonical splice site are expected to result in aberrant splicing. In silico splice site analysis predicts that this alteration will weaken the native splice acceptor site and will result in the creation or strengthening of a novel splice acceptor site; however, direct evidence is insufficient at this time (Ambry internal data). The resulting transcript is predicted to be in-frame and is not expected to trigger nonsense-mediated mRNAdecay; however, direct evidence is insufficient at this time (Ambry internal data). The exact functional effect of the altered amino acid sequence is unknown. This nucleotide position is highly conserved in available vertebrate species. Since supporting evidence is limited at this time, the clinical significance of this alteration remains unclear.

NM_000465.4(BARD1):c.1811-1G>T

Gene: BARD1 (BRCA1 associated RING domain 1; minus strand). Cytogenetic location: 2q35.
Variant type: single nucleotide variant.
Coding change: c.1811-1G>T on transcript NM_000465.4 (MANE Select); the canonical splice acceptor site of the intron before coding-DNA position 1811, G replaced by T.
Molecular consequence: splice acceptor variant. On other transcripts: intron variant (1).
Genome position (GRCh38, 1-based): chr2:214,745,160, C>A on the plus strand (G>T on the coding strand, the complement: BARD1 is on the minus strand). VCF-style: chr2-214745160-C-A. GRCh37 (hg19) VCF-style: chr2-215609884-C-A.
Other names: c.401-1G>T (NM_001282548.2); c.1754-1G>T (NM_001282543.2); c.458-1G>T (NM_001282545.2); c.365-14652G>T (NM_001282549.2).
Identifiers: ClinVar variation 4867387 (VCV004867387.1).